The following is an entry in ClinVar:

ClinVar aggregate classification (germline): Conflicting classifications of pathogenicity. Review status: criteria provided, conflicting classifications (1 of 4 stars). 9 submissions from 8 submitters: Uncertain significance (2); Benign (1); Likely benign (5). 1 of the submissions does not count toward it. Last evaluated 2025-07-14.

Conditions:
SYNE1-related disorder. Also called: SYNE1-related disease; SYNE1-related condition; SYNE1-related disorders.
Emery-Dreifuss muscular dystrophy 4, autosomal dominant (EDMD4). Also called: EMERY-DREIFUSS MUSCULAR DYSTROPHY 4 WITH VARIABLE FEATURES. Identifiers: Orphanet 261, MedGen C2751807, MONDO:0013071, OMIM 612998.
Autosomal recessive ataxia, Beauce type. Also called: SYNE1 Deficiency; SYNE1-Related Autosomal Recessive Cerebellar Ataxia; ATAXIA, RECESSIVE, OF BEAUCE; Spinocerebellar ataxia, autosomal recessive 8. Identifiers: Orphanet 88644, MedGen C1853116, MONDO:0012549, OMIM 610743.

Allele frequency attached by ClinVar (database versions not stated): ESP Exome Variant Server 0.00008; gnomAD 0.00010; ExAC 0.00012; gnomAD exomes 0.00019 and 0.00024; TOPMed 0.00019; 1000 Genomes Project 30x 0.00031; 1000 Genomes Project 0.00040.
gnomAD v4.1: 356 of 1,614,096 alleles (0.022%); highest among the groups gnomAD compares: Admixed American, 0.052%; no homozygotes.

Submissions (9):

Athena Diagnostics
Classification: Benign. Last evaluated: 2025-07-14. Review status: criteria provided, single submitter. Criteria: Athena Diagnostics Criteria. Collection method: clinical testing. Allele origin: unknown.
Comment: The frequency of this variant in the general population is higher than would generally be expected for pathogenic variants in this gene. Computational tools yielded predictions that this variant is unlikely to have an effect on normal RNA splicing. This nucleotide position exhibits low evolutionary conservation.

Mayo Clinic Laboratories, Mayo Clinic
Classification: Likely benign. Last evaluated: 2025-06-10. Review status: criteria provided, single submitter. Criteria: ACMG Guidelines, 2015. Collection method: clinical testing. Allele origin: germline. Observed: 2 variant alleles.
Comment: BP4, BP7

Labcorp Genetics (formerly Invitae), Labcorp
Classification: Likely benign for Emery-Dreifuss muscular dystrophy 4, autosomal dominant; Autosomal recessive ataxia, Beauce type. Last evaluated: 2025-06-08. Review status: criteria provided, single submitter. Criteria: Invitae Variant Classification Sherloc (09022015). Collection method: clinical testing. Allele origin: germline.

CeGaT Center for Human Genetics Tuebingen
Classification: Likely benign. Last evaluated: 2024-12-01. Review status: criteria provided, single submitter. Criteria: CeGaT Center For Human Genetics Tuebingen Variant Classification Criteria Version 2. Collection method: clinical testing. Allele origin: germline. Affected: yes. Observed: 2 variant alleles.
Comment: SYNE1: BP4, BP7

Blueprint Genetics
Classification: Likely benign. Last evaluated: 2024-08-08. Review status: criteria provided, single submitter. Criteria: ACMG Guidelines, 2015. Collection method: clinical testing. Allele origin: germline.

Illumina Laboratory Services, Illumina
Classification: Uncertain significance for Autosomal recessive ataxia, Beauce type. Last evaluated: 2018-01-13. Review status: criteria provided, single submitter. Criteria: ICSL Variant Classification Criteria 13 December 2019. Collection method: clinical testing. Allele origin: germline.

Illumina Laboratory Services, Illumina
Classification: Likely benign for Emery-Dreifuss muscular dystrophy 4, autosomal dominant. Last evaluated: 2018-01-13. Review status: criteria provided, single submitter. Criteria: ICSL Variant Classification Criteria 13 December 2019. Collection method: clinical testing. Allele origin: germline.
Comment: This variant was observed in the ICSL laboratory as part of a predisposition screen in an ostensibly healthy population. It had not been previously curated by ICSL or reported in the Human Gene Mutation Database (HGMD: prior to June 1st, 2018), and was therefore a candidate for classification through an automated scoring system. Utilizing variant allele frequency, disease prevalence and penetrance estimates, and inheritance mode, an automated score was calculated to assess if this variant is too frequent to cause the disease. Based on the score and internal cut-off values, a variant classified as likely benign is not then subjected to further curation. The score for this variant resulted in a classification of likely benign for this disease.

Eurofins Ntd Llc (ga)
Classification: Uncertain significance. Last evaluated: 2017-08-22. Review status: criteria provided, single submitter. Criteria: EGL Classification Definitions 2015. Collection method: clinical testing. Allele origin: germline. Observed: 2 variant alleles, 2 heterozygotes.

PreventionGenetics, part of Exact Sciences
Classification: Likely benign for SYNE1-related condition. Last evaluated: 2021-12-30. Review status: no assertion criteria provided. Collection method: clinical testing. Allele origin: germline. Not counted in ClinVar's aggregate classification.
Comment: This variant is classified as likely benign based on ACMG/AMP sequence variant interpretation guidelines (Richards et al. 2015 PMID: 25741868, with internal and published modifications).

NM_182961.4(SYNE1):c.21924G>A (p.Glu7308=)

Gene: SYNE1 (spectrin repeat containing nuclear envelope protein 1; minus strand). Cytogenetic location: 6q25.2.
Variant type: single nucleotide variant.
Coding change: c.21924G>A on transcript NM_182961.4 (MANE Select); coding-DNA position 21924, G replaced by A.
Protein change: p.Glu7308=; no amino-acid change (glutamic acid 7308 retained).
Molecular consequence: synonymous variant.
Genome position (GRCh38, 1-based): chr6:152,219,123, C>T on the plus strand (G>A on the coding strand, the complement: SYNE1 is on the minus strand). VCF-style: chr6-152219123-C-T. GRCh37 (hg19) VCF-style: chr6-152540258-C-T.
Other names: p.Glu7237=; c.21924G>A (NM_182961.2); c.21711G>A, p.Glu7237= (NM_033071.5).
Identifiers: ClinVar variation 290600 (VCV000290600.47), dbSNP rs371017408, ClinGen allele CA4054017.